The following is an entry in ClinVar:

ClinVar aggregate classification (germline): Likely pathogenic (1 of 4 stars; one submission).

Conditions:
Ventriculomegaly-cystic kidney disease. Also called: Ventriculomegaly with cystic kidney disease. Identifiers: Orphanet 443988, MedGen C1857423, MONDO:0009063, OMIM 219730.

gnomAD v4.1: 1 of 1,550,006 alleles (0.000065%); highest among the groups gnomAD compares: Non-Finnish European, 0.000087%; no homozygotes.

Submission:

MVZ Medizinische Genetik Mainz
Classification: Likely pathogenic for Ventriculomegaly-cystic kidney disease. Last evaluated: 2025-01-06. Review status: criteria provided, single submitter. Criteria: UK Practice Guidelines For Variant Classification V4 01 2020. Collection method: clinical testing. Allele origin: germline. Inheritance: Autosomal recessive inheritance. Affected: yes. Observed: 1 variant allele.
Comment: ACMG Criteria: PM1,PM3,PM2_SUP,PM5_SUP,PP3,PP4; Compound Heterozygote

NM_173689.7(CRB2):c.3386G>C (p.Cys1129Ser)

Gene: CRB2 (crumbs cell polarity complex component 2; plus strand). Cytogenetic location: 9q33.3.
Variant type: single nucleotide variant.
Coding change: c.3386G>C on transcript NM_173689.7 (MANE Select); coding-DNA position 3386, G replaced by C.
Protein change: p.Cys1129Ser; replaces cysteine 1129 with serine.
Molecular consequence: missense variant. On other transcripts: non-coding transcript variant (1).
Genome position (GRCh38, 1-based): chr9:123,373,917, G>C. VCF-style: chr9-123373917-G-C. GRCh37 (hg19) VCF-style: chr9-126136196-G-C.
Other names: short protein forms C1129S.
Identifiers: ClinVar variation 4857292 (VCV004857292.1).